The following is an entry in ClinVar:

NM_006258.4(PRKG1):c.299C>G (p.Pro100Arg)

Gene: PRKG1 (protein kinase cGMP-dependent 1; plus strand). Cytogenetic location: 10q11.23.
Variant type: single nucleotide variant.
Coding change: c.299C>G on transcript NM_006258.4 (MANE Select); coding-DNA position 299, C replaced by G.
Protein change: p.Pro100Arg; replaces proline 100 with arginine.
Molecular consequence: missense variant. On other transcripts: intron variant (1).
Genome position (GRCh38, 1-based): chr10:51,074,889, C>G. VCF-style: chr10-51074889-C-G. GRCh37 (hg19) VCF-style: chr10-52834649-C-G.
Other names: p.Pro100Arg; c.299C>G, p.Pro100Arg (NM_001374782.1); c.267-78275C>G (NM_001098512.3); short protein forms P100R.
Identifiers: ClinVar variation 1305536 (VCV001305536.15), dbSNP rs763629518, ClinGen allele CA5503089.

ClinVar aggregate classification (germline): Uncertain significance. Review status: criteria provided, multiple submitters, no conflicts (2 of 4 stars). 5 submissions from 5 submitters: Uncertain significance (5). Last evaluated 2025-08-28.

Conditions:
Aortic aneurysm, familial thoracic 8 (AAT8). Identifiers: MedGen C3809513, MONDO:0014187, OMIM 615436.
Familial thoracic aortic aneurysm and aortic dissection (TAAD). Also called: Thoracic aortic aneurysms and dissections. Identifiers: Orphanet 91387, MedGen C4707243, MONDO:0019625.

Allele frequency attached by ClinVar (database versions not stated): gnomAD exomes 0.00001; ExAC 0.00002; gnomAD 0.00002; TOPMed 0.00003.
gnomAD v4.1: 40 of 1,607,874 alleles (0.0025%); highest among the groups gnomAD compares: Non-Finnish European, 0.0033%; no homozygotes.

Submissions (5):

Mayo Clinic Laboratories, Mayo Clinic
Classification: Uncertain significance. Last evaluated: 2025-08-28. Review status: criteria provided, single submitter. Criteria: ACMG Guidelines, 2015. Collection method: clinical testing. Allele origin: germline. Observed: 1 variant allele.

Ambry Genetics
Classification: Uncertain significance for Familial thoracic aortic aneurysm and aortic dissection. Last evaluated: 2025-08-27. Review status: criteria provided, single submitter. Criteria: Ambry Variant Classification Scheme 2023. Collection method: clinical testing. Allele origin: germline.
Comment: The p.P100R variant (also known as c.299C>G), located in coding exon 1 of the PRKG1 gene, results from a C to G substitution at nucleotide position 299. The proline at codon 100 is replaced by arginine, an amino acid with dissimilar properties. This amino acid position is highly conserved in available vertebrate species. In addition, the in silico prediction for this alteration is inconclusive. Based on the available evidence, the clinical significance of this variant remains unclear.

GeneDx
Classification: Uncertain significance. Last evaluated: 2025-01-13. Review status: criteria provided, single submitter. Criteria: GeneDx Variant Classification Process June 2021. Collection method: clinical testing. Allele origin: germline. Affected: yes.
Comment: Has not been previously published as pathogenic or benign to our knowledge; Not observed at significant frequency in large population cohorts (gnomAD); In silico analysis indicates that this missense variant does not alter protein structure/function

Labcorp Genetics (formerly Invitae), Labcorp
Classification: Uncertain significance for Aortic aneurysm, familial thoracic 8. Last evaluated: 2024-10-31. Review status: criteria provided, single submitter. Criteria: Invitae Variant Classification Sherloc (09022015). Collection method: clinical testing. Allele origin: germline.
Comment: This sequence change replaces proline, which is neutral and non-polar, with arginine, which is basic and polar, at codon 100 of the PRKG1 protein (p.Pro100Arg). This variant is present in population databases (rs763629518, gnomAD 0.003%). This variant has not been reported in the literature in individuals affected with PRKG1-related conditions. ClinVar contains an entry for this variant (Variation ID: 1305536). An algorithm developed to predict the effect of missense changes on protein structure and function (PolyPhen-2) suggests that this variant¬†is likely to be tolerated. In summary, the available evidence is currently insufficient to determine the role of this variant in disease. Therefore, it has been classified as a Variant of Uncertain Significance.

Phosphorus, Inc.
Classification: Uncertain significance. Last evaluated: 2022-01-18. Review status: criteria provided, single submitter. Criteria: ACMG Guidelines, 2015. Collection method: clinical testing. Allele origin: germline. Inheritance: Autosomal dominant inheritance.
Comment: This missense variant results in an amino acid substitution of Proline with Arginine at codon 100 of the PRKG1 gene (transcript: NM_006258.3). This variant has an entry in ClinVar (1305536) NM_006258.4(PRKG1):c.299C>G (p.Pro100Arg). This variant occurred in gnomAD with a total MAF of 0.0012% and with the highest MAF of 0.0028% in the European population. This position is conserved. In silico functional algorithms predict this variant to be benign (PolyPhen) and tolerated (SIFT). However, no functional studies were performed to confirm either of those predictions. The variant has not occurred in the literature in association with the disease. Considering that this is a rare variant and the available evidence is not enough to ascertain its role in disease, it has been classified as Variant of Uncertain Significance.